The following is an entry in ClinVar:

NM_000093.5(COL5A1):c.3233G>A (p.Gly1078Glu)

Gene: COL5A1 (collagen type V alpha 1 chain; plus strand). Cytogenetic location: 9q34.3.
Variant type: single nucleotide variant.
Coding change: c.3233G>A on transcript NM_000093.5 (MANE Select); coding-DNA position 3233, G replaced by A.
Protein change: p.Gly1078Glu; replaces glycine 1078 with glutamic acid.
Molecular consequence: missense variant.
Genome position (GRCh38, 1-based): chr9:134,805,189, G>A. VCF-style: chr9-134805189-G-A. GRCh37 (hg19) VCF-style: chr9-137697035-G-A.
Other names: c.3233G>A, p.Gly1078Glu (NM_001278074.1); short protein forms G1078E.
Identifiers: ClinVar variation 529275 (VCV000529275.11), dbSNP rs1554803631, ClinGen allele CA375450903.

ClinVar aggregate classification (germline): Uncertain significance (1 of 4 stars; one submission).

Conditions:
Ehlers-Danlos syndrome, classic type, 1 (EDSCL1). Also called: Ehlers-Danlos Syndrome, Classic Type, COL5A1-Related; EDS I; Ehlers-Danlos syndrome, type 1; EHLERS-DANLOS SYNDROME, GRAVIS TYPE; EHLERS-DANLOS SYNDROME, SEVERE CLASSIC TYPE. Identifiers: MedGen C0268335, MONDO:0019567, OMIM 130000.

Submission:

Labcorp Genetics (formerly Invitae), Labcorp
Classification: Uncertain significance for Ehlers-Danlos syndrome, classic type, 1. Last evaluated: 2018-11-06. Review status: criteria provided, single submitter. Criteria: Invitae Variant Classification Sherloc (09022015). Collection method: clinical testing. Allele origin: germline.
Comment: In summary, the available evidence is currently insufficient to determine the role of this variant in disease. Therefore, it has been classified as a Variant of Uncertain Significance. Algorithms developed to predict the effect of missense changes on protein structure and function (SIFT, PolyPhen-2, Align-GVGD) all suggest that this variant is likely to be disruptive, but these predictions have not been confirmed by published functional studies and their clinical significance is uncertain. Glycine residues within the Gly-Xaa-Yaa repeats of the triple helix domain are required for the structure and stability of fibrillar collagens (PMID: 7695699, 8218237, 19344236), and missense variants at these glycine residues in COL5A1 are more frequently observed in individuals with disease than in the general population (PMID: 22696272, 23587214). However, the clinical significance of this observation remains uncertain since only a limited number of affected individuals have been described to date. This variant has not been reported in the literature in individuals with COL5A1-related disease. This variant is not present in population databases (ExAC no frequency). This sequence change replaces glycine with glutamic acid at codon 1078 of the COL5A1 protein (p.Gly1078Glu). The glycine residue is highly conserved and there is a moderate physicochemical difference between glycine and glutamic acid.

Literature cited by the submitters: PubMed 7695699; PubMed 8218237; PubMed 19344236; PubMed 22696272; PubMed 23587214.